The following is an entry in ClinVar:

NM_015488.5(PNKD):c.22A>G (p.Thr8Ala)

Genes: PNKD (PNKD metallo-beta-lactamase domain containing; plus strand), LOC129935594 (ATAC-STARR-seq lymphoblastoid active region 17117; plus strand). Cytogenetic location: 2q35.
Variant type: single nucleotide variant.
Coding change: c.22A>G on transcript NM_015488.5 (MANE Select); coding-DNA position 22, A replaced by G.
Protein change: p.Thr8Ala; replaces threonine 8 with alanine.
Molecular consequence: missense variant.
Genome position (GRCh38, 1-based): chr2:218,270,557, A>G. VCF-style: chr2-218270557-A-G. GRCh37 (hg19) VCF-style: chr2-219135280-A-G.
Other names: c.22A>G, p.Thr8Ala (NM_001077399.3); short protein forms T8A.
Identifiers: ClinVar variation 2744706 (VCV002744706.3), dbSNP rs1224839595, ClinGen allele CA350543561.

ClinVar aggregate classification (germline): Uncertain significance (1 of 4 stars; one submission).

Conditions:
Paroxysmal nonkinesigenic dyskinesia. Also called: Paroxysmal non-kinesigenic dyskinesia. Identifiers: Orphanet 98810, MedGen C1869117, MONDO:0700088.

Allele frequency attached by ClinVar (database versions not stated): gnomAD exomes below 0.00001.
gnomAD v4.1: 1 of 1,231,712 alleles (0.000081%); highest among the groups gnomAD compares: Non-Finnish European, 0.0001%; no homozygotes.

Submission:

Labcorp Genetics (formerly Invitae), Labcorp
Classification: Uncertain significance for Paroxysmal nonkinesigenic dyskinesia. Last evaluated: 2023-07-18. Review status: criteria provided, single submitter. Criteria: Invitae Variant Classification Sherloc (09022015). Collection method: clinical testing. Allele origin: germline.
Comment: In summary, the available evidence is currently insufficient to determine the role of this variant in disease. Therefore, it has been classified as a Variant of Uncertain Significance. This sequence change replaces threonine, which is neutral and polar, with alanine, which is neutral and non-polar, at codon 8 of the PNKD protein (p.Thr8Ala). This variant is not present in population databases (gnomAD no frequency). This variant has not been reported in the literature in individuals affected with PNKD-related conditions. An algorithm developed to predict the effect of missense changes on protein structure and function (PolyPhen-2) suggests that this variant is likely to be tolerated.